The following is an entry in ClinVar:

ClinVar aggregate classification (germline): Uncertain significance (1 of 4 stars; one submission).

Conditions:
Spondylocostal dysostosis 3, autosomal recessive (SCDO3). Also called: LFNG-Related Spondylocostal Dysostosis, Autosomal Recessive. Identifiers: Orphanet 2311, MedGen C1853296, MONDO:0012349, OMIM 609813.

Allele frequency attached by ClinVar (database versions not stated): TOPMed below 0.00001; gnomAD 0.00001; gnomAD exomes 0.00001; ExAC 0.00003.
gnomAD v4.1: 5 of 1,529,818 alleles (0.00033%); highest among the groups gnomAD compares: Non-Finnish European, 0.00035%; no homozygotes.

Submission:

Labcorp Genetics (formerly Invitae), Labcorp
Classification: Uncertain significance for Spondylocostal dysostosis 3, autosomal recessive. Last evaluated: 2022-08-09. Review status: criteria provided, single submitter. Criteria: Invitae Variant Classification Sherloc (09022015). Collection method: clinical testing. Allele origin: germline.
Comment: In summary, the available evidence is currently insufficient to determine the role of this variant in disease. Therefore, it has been classified as a Variant of Uncertain Significance. Algorithms developed to predict the effect of missense changes on protein structure and function output the following: SIFT: "Deleterious"; PolyPhen-2: "Benign"; Align-GVGD: "Class C0". The leucine amino acid residue is found in multiple mammalian species, which suggests that this missense change does not adversely affect protein function. ClinVar contains an entry for this variant (Variation ID: 1057386). This variant has not been reported in the literature in individuals affected with LFNG-related conditions. This variant is present in population databases (rs747331172, gnomAD 0.001%). This sequence change replaces proline, which is neutral and non-polar, with leucine, which is neutral and non-polar, at codon 103 of the LFNG protein (p.Pro103Leu).

NM_001040167.2(LFNG):c.308C>T (p.Pro103Leu)

Gene: LFNG (LFNG O-fucosylpeptide 3-beta-N-acetylglucosaminyltransferase; plus strand). Cytogenetic location: 7p22.3.
Variant type: single nucleotide variant.
Coding change: c.308C>T on transcript NM_001040167.2 (MANE Select); coding-DNA position 308, C replaced by T.
Protein change: p.Pro103Leu; replaces proline 103 with leucine.
Molecular consequence: missense variant. On other transcripts: intron variant (2).
Genome position (GRCh38, 1-based): chr7:2,520,169, C>T. VCF-style: chr7-2520169-C-T. GRCh37 (hg19) VCF-style: chr7-2559803-C-T.
Other names: c.308C>T, p.Pro103Leu (NM_001040168.2); c.220-4526C>T (NM_001166355.2); c.45+1571C>T (NM_002304.3); short protein forms P103L.
Identifiers: ClinVar variation 1057386 (VCV001057386.9), dbSNP rs747331172, ClinGen allele CA4126904.